The following is an entry in ClinVar:

ClinVar aggregate classification (germline): Likely benign. Review status: criteria provided, multiple submitters, no conflicts (2 of 4 stars). 3 submissions from 3 submitters: Likely benign (3). Last evaluated 2025-05-13.

Conditions:
Hereditary cancer-predisposing syndrome. Also called: Neoplastic Syndromes, Hereditary; Hereditary neoplastic syndrome; Tumor predisposition; Hereditary Cancer Syndrome. Identifiers: Orphanet 140162, MedGen C0027672, MeSH D009386, MONDO:0015356.
Hereditary diffuse gastric adenocarcinoma (HDGC). Also called: DIFFUSE GASTRIC AND LOBULAR BREAST CANCER SYNDROME. Identifiers: Orphanet 26106, MedGen C1708349, MONDO:0007648, OMIM 137215.

Allele frequency attached by ClinVar (database versions not stated): TOPMed below 0.00001; gnomAD 0.00001.
gnomAD v4.1: 1 of 1,613,474 alleles (0.000062%); highest among the groups gnomAD compares: African/African-American, 0.0013%; no homozygotes.

Submissions (3):

Labcorp Genetics (formerly Invitae), Labcorp
Classification: Likely benign for Hereditary diffuse gastric adenocarcinoma. Last evaluated: 2025-05-13. Review status: criteria provided, single submitter. Criteria: Invitae Variant Classification Sherloc (09022015). Collection method: clinical testing. Allele origin: germline.

Color Diagnostics, LLC DBA Color Health
Classification: Likely benign for Hereditary cancer-predisposing syndrome. Last evaluated: 2017-06-22. Review status: criteria provided, single submitter. Criteria: ACMG Guidelines, 2015. Collection method: clinical testing. Allele origin: germline.

GeneDx
Classification: Likely benign. Last evaluated: 2016-11-28. Review status: criteria provided, single submitter. Criteria: GeneDx Variant Classification (06012015). Collection method: clinical testing. Allele origin: germline. Affected: yes.
Comment: This variant is considered likely benign or benign based on one or more of the following criteria: it is a conservative change, it occurs at a poorly conserved position in the protein, it is predicted to be benign by multiple in silico algorithms, and/or has population frequency not consistent with disease.

NM_004360.5(CDH1):c.1008+18T>A

Gene: CDH1 (cadherin 1; plus strand). Cytogenetic location: 16q22.1.
Variant type: single nucleotide variant.
Coding change: c.1008+18T>A on transcript NM_004360.5 (MANE Select); 18 bases into the intron after coding-DNA position 1008, T replaced by A.
Molecular consequence: intron variant.
Genome position (GRCh38, 1-based): chr16:68,811,877, T>A. VCF-style: chr16-68811877-T-A. GRCh37 (hg19) VCF-style: chr16-68845780-T-A.
Other names: c.1008+18T>A (LRG_301t1, NM_001317184.2); c.-608+18T>A (NM_001317185.2); c.-812+18T>A (NM_001317186.2).
Identifiers: ClinVar variation 391093 (VCV000391093.5), dbSNP rs1057523963, ClinGen allele CA16607054.